The following is an entry in ClinVar:

NC_000007.14:g.128775760G>A

Gene: OPN1SW (opsin 1, short wave sensitive; minus strand). Cytogenetic location: 7q32.1.
Variant type: single nucleotide variant.
Genome position: GRCh38 VCF-style: chr7-128775760-G-A. GRCh37 (hg19) VCF-style: chr7-128415814-G-A.
Other names: NM_001708.2:c.31C>T.
Identifiers: ClinVar variation 781655 (VCV000781655.25), dbSNP rs55974922, ClinGen allele CA4473073.

ClinVar aggregate classification (germline): Benign. Review status: criteria provided, multiple submitters, no conflicts (2 of 4 stars). 3 submissions from 3 submitters: Benign (3). Last evaluated 2026-01-26.

Allele frequency attached by ClinVar (database versions not stated): 1000 Genomes Project 0.00260; 1000 Genomes Project 30x 0.00281; TOPMed 0.00628; ExAC 0.00667; gnomAD exomes 0.00697 and 0.01032; gnomAD 0.00708 and 0.00725; ESP Exome Variant Server 0.00815.
gnomAD v4.1: 16,124 of 1,614,046 alleles (1%); highest among the groups gnomAD compares: Non-Finnish European, 1.2%; 91 homozygotes.

Submissions (3):

Labcorp Genetics (formerly Invitae), Labcorp
Classification: Benign. Last evaluated: 2026-01-26. Review status: criteria provided, single submitter. Criteria: Invitae Variant Classification Sherloc (09022015). Collection method: clinical testing. Allele origin: germline.

CeGaT Center for Human Genetics Tuebingen
Classification: Benign. Last evaluated: 2024-12-01. Review status: criteria provided, single submitter. Criteria: CeGaT Center For Human Genetics Tuebingen Variant Classification Criteria Version 2. Collection method: clinical testing. Allele origin: germline. Affected: yes. Observed: 1 variant allele.
Comment: OPN1SW: BP4, BP7, BS1, BS2

Breakthrough Genomics
Classification: Benign. Review status: criteria provided, single submitter. Criteria: ACMG Guidelines, 2015. Collection method: not provided. Allele origin: germline. Inheritance: Autosomal dominant inheritance. Affected: yes.